The following is an entry in ClinVar:

ClinVar aggregate classification (germline): Likely pathogenic. Review status: reviewed by expert panel (3 of 4 stars). 2 submissions from 2 submitters: Likely pathogenic (1). 1 of the submissions does not count toward it. Last evaluated 2020-11-09.

Conditions:
Phenylketonuria (PKU). Also called: Phenylketonuria (PKU); FOLLING DISEASE; OLIGOPHRENIA PHENYLPYRUVICA; Phenylketonurias. Identifiers: Orphanet 716, MedGen C0031485, MONDO:0009861, OMIM 261600. Disease mechanism: loss of function.

Submissions (2):

ClinGen PAH Variant Curation Expert Panel
Classification: Likely pathogenic for Phenylketonuria. Last evaluated: 2020-11-09. Review status: reviewed by expert panel. Criteria: ClinGen PAH ACMG Specifications v1. Collection method: curation. Allele origin: germline. Inheritance: Autosomal recessive inheritance.
Comment: The c.719T>C (p.Phe240Ser) variant in PAH has been reported in 1 individual with classic PKU detected with pathogenic variant p.R261Q (PMID: 11139255). This variant is absent in population databases. Computational evidence supports a deleterious effect. In summary, this variant meets criteria to be classified as likely pathogenic for PAH. PAH-specific ACMG/AMP criteria applied: PM2, PM3, PP3, PP4.

DeBelle Laboratory for Biochemical Genetics, MUHC/MCH RESEARCH INSTITUTE
No classification provided. Review status: no classification provided. Collection method: not provided. Allele origin: not provided. Not counted in ClinVar's aggregate classification.

Literature cited by the submitters: PubMed 11139255 (cited by ClinGen PAH Variant Curation Expert Panel).

NM_000277.3(PAH):c.719T>C (p.Phe240Ser)

Gene: PAH (phenylalanine hydroxylase; minus strand). Cytogenetic location: 12q23.2.
Variant type: single nucleotide variant.
Coding change: c.719T>C on transcript NM_000277.3 (MANE Select); coding-DNA position 719, T replaced by C.
Protein change: p.Phe240Ser; replaces phenylalanine 240 with serine.
Molecular consequence: missense variant.
Genome position (GRCh38, 1-based): chr12:102,852,938, A>G on the plus strand (T>C on the coding strand, the complement: PAH is on the minus strand). VCF-style: chr12-102852938-A-G. GRCh37 (hg19) VCF-style: chr12-103246716-A-G.
Other names: NM_000277.2(PAH):c.719T>C; c.719T>C, p.Phe240Ser (NM_001354304.2); short protein forms F240S.
Identifiers: ClinVar variation 102802 (VCV000102802.2), dbSNP rs62508594, ClinGen allele CA229715.